The following is an entry in ClinVar:

ClinVar aggregate classification (germline): Uncertain significance (1 of 4 stars; one submission).

Conditions:
Short-rib thoracic dysplasia 10 with or without polydactyly (SRTD10). Identifiers: Orphanet 474, MedGen C3810175, MONDO:0014284, OMIM 615630.
Retinitis pigmentosa 71 (RP71). Identifiers: Orphanet 791, MedGen C4225342, MONDO:0014618, OMIM 616394.

Submission:

Labcorp Genetics (formerly Invitae), Labcorp
Classification: Uncertain significance for Retinitis pigmentosa 71; Short-rib thoracic dysplasia 10 with or without polydactyly. Last evaluated: 2020-07-22. Review status: criteria provided, single submitter. Criteria: Invitae Variant Classification Sherloc (09022015). Collection method: clinical testing. Allele origin: germline.
Comment: In summary, the available evidence is currently insufficient to determine the role of this variant in disease. Therefore, it has been classified as a Variant of Uncertain Significance. Algorithms developed to predict the effect of missense changes on protein structure and function are either unavailable or do not agree on the potential impact of this missense change (SIFT: "Deleterious"; PolyPhen-2: "Benign"; Align-GVGD: "Class C0"). This variant has not been reported in the literature in individuals with IFT172-related conditions. This variant is not present in population databases (ExAC no frequency). This sequence change replaces proline with arginine at codon 280 of the IFT172 protein (p.Pro280Arg). The proline residue is moderately conserved and there is a moderate physicochemical difference between proline and arginine.

NM_015662.3(IFT172):c.839C>G (p.Pro280Arg)

Gene: IFT172 (intraflagellar transport 172; minus strand). Cytogenetic location: 2p23.3.
Variant type: single nucleotide variant.
Coding change: c.839C>G on transcript NM_015662.3 (MANE Select); coding-DNA position 839, C replaced by G.
Protein change: p.Pro280Arg; replaces proline 280 with arginine.
Molecular consequence: missense variant.
Genome position (GRCh38, 1-based): chr2:27,480,096, G>C on the plus strand (C>G on the coding strand, the complement: IFT172 is on the minus strand). VCF-style: chr2-27480096-G-C. GRCh37 (hg19) VCF-style: chr2-27702963-G-C.
Other names: short protein forms P280R.
Identifiers: ClinVar variation 1000537 (VCV001000537.8), dbSNP rs1279126964, ClinGen allele CA346397185.